The following is an entry in ClinVar:

ClinVar aggregate classification (germline): Conflicting classifications of pathogenicity. Review status: criteria provided, conflicting classifications (1 of 4 stars). 2 submissions from 2 submitters: Likely pathogenic (1); Uncertain significance (1). Last evaluated 2024-09-18.

Conditions:
Ullrich congenital muscular dystrophy 2 (UCMD2). Identifiers: Orphanet 75840, MedGen C4225314, MONDO:0014654, OMIM 616470.
Bethlem myopathy 2 (BTHLM2). Identifiers: Orphanet 536516, Orphanet 610, MedGen C4225313, MONDO:0034022, OMIM 616471.

Submissions (2):

GeneDx
Classification: Likely pathogenic. Last evaluated: 2024-09-18. Review status: criteria provided, single submitter. Criteria: GeneDx Variant Classification Process June 2021. Collection method: clinical testing. Allele origin: germline.
Comment: Has not been previously published as pathogenic or benign to our knowledge; Not observed at significant frequency in large population cohorts (gnomAD); Canonical splice site variant expected to result in aberrant splicing, although in the absence of functional evidence the actual effect of this sequence change is unknown.

Labcorp Genetics (formerly Invitae), Labcorp
Classification: Uncertain significance for Bethlem myopathy 2; Ullrich congenital muscular dystrophy 2. Last evaluated: 2022-09-15. Review status: criteria provided, single submitter. Criteria: Invitae Variant Classification Sherloc (09022015). Collection method: clinical testing. Allele origin: germline.
Comment: Algorithms developed to predict the effect of sequence changes on RNA splicing suggest that this variant may disrupt the consensus splice site. In summary, the available evidence is currently insufficient to determine the role of this variant in disease. Therefore, it has been classified as a Variant of Uncertain Significance. This variant has not been reported in the literature in individuals affected with COL12A1-related conditions. This sequence change affects a donor splice site in intron 5 of the COL12A1 gene. Multiple COL12A1 isoforms have been reported, and the functional impact of this variant is uncertain (PMID: 8601036). This variant is not present in population databases (gnomAD no frequency).

Literature cited by the submitters: PubMed 8601036 (cited by Labcorp Genetics (formerly Invitae), Labcorp).

NM_004370.6(COL12A1):c.394+1G>A

Gene: COL12A1 (collagen type XII alpha 1 chain; minus strand). Cytogenetic location: 6q13.
Variant type: single nucleotide variant.
Coding change: c.394+1G>A on transcript NM_004370.6 (MANE Select); the canonical splice donor site of the intron after coding-DNA position 394, G replaced by A.
Molecular consequence: splice donor variant. On other transcripts: intron variant (1).
Genome position (GRCh38, 1-based): chr6:75,191,700, C>T on the plus strand (G>A on the coding strand, the complement: COL12A1 is on the minus strand). VCF-style: chr6-75191700-C-T. GRCh37 (hg19) VCF-style: chr6-75901416-C-T.
Other names: c.73+11020G>A (NM_080645.3).
Identifiers: ClinVar variation 2096272 (VCV002096272.6), dbSNP rs2533613206, ClinGen allele CA364729839.